The following is an entry in ClinVar:

ClinVar aggregate classification (germline): Uncertain significance (1 of 4 stars; one submission).

Conditions:
Cardiovascular phenotype. Identifiers: MedGen CN230736.

gnomAD v4.1: 2 of 1,613,954 alleles (0.00012%); highest among the groups gnomAD compares: African/African-American, 0.0027%; no homozygotes.

Submission:

Ambry Genetics
Classification: Uncertain significance for Cardiovascular phenotype. Last evaluated: 2024-05-02. Review status: criteria provided, single submitter. Criteria: Ambry Variant Classification Scheme 2023. Collection method: clinical testing. Allele origin: germline.
Comment: The p.L175M variant (also known as c.523C>A), located in coding exon 5 of the ABCG5 gene, results from a C to A substitution at nucleotide position 523. The leucine at codon 175 is replaced by methionine, an amino acid with highly similar properties. This amino acid position is conserved. In addition, the in silico prediction for this alteration is inconclusive. Based on the available evidence, the clinical significance of this variant remains unclear.

NM_022436.3(ABCG5):c.523C>A (p.Leu175Met)

Genes: ABCG5 (ATP binding cassette subfamily G member 5; minus strand), DYNC2LI1 (dynein cytoplasmic 2 light intermediate chain 1; plus strand). Cytogenetic location: 2p21.
Variant type: single nucleotide variant.
Coding change: c.523C>A on transcript NM_022436.3 (MANE Select); coding-DNA position 523, C replaced by A.
Protein change: p.Leu175Met; replaces leucine 175 with methionine.
Molecular consequence: missense variant. On other transcripts: 3 prime UTR variant (2).
Genome position (GRCh38, 1-based): chr2:43,828,094, G>T on the plus strand (C>A on the coding strand, the complement: ABCG5 is on the minus strand). VCF-style: chr2-43828094-G-T. GRCh37 (hg19) VCF-style: chr2-44055233-G-T.
Other names: c.*724G>T (NM_001348912.2, NM_001348913.2); short protein forms L175M.
Identifiers: ClinVar variation 3308939 (VCV003308939.1).
Genomic context (GRCh38, chr2:43,828,094, plus strand): 5'-TGGAAATGCCCCCCAAGCTGTAGTTGCCAATCAGTCGGTCTGCCACATGGCTCAGACTCA[G>T]CTCTGCCATGACGGCCTCCACCTGCAGGAGACACAAATTACAGGAAGGCTGGGAGTCTCT-3'
Protein context (NP_071881.1, residues 165-185): QKKVEAVMAE[Leu175Met]SLSHVADRLI